The following is an entry in ClinVar:

NM_000144.5(FXN):c.*246C>T

Gene: FXN (frataxin; plus strand). Cytogenetic location: 9q21.11.
Variant type: single nucleotide variant.
Coding change: c.*246C>T on transcript NM_000144.5 (MANE Select); 246 bases downstream of the stop codon, C replaced by T.
Molecular consequence: 3 prime UTR variant.
Genome position (GRCh38, 1-based): chr9:69,073,008, C>T. VCF-style: chr9-69073008-C-T. GRCh37 (hg19) VCF-style: chr9-71687924-C-T.
Other names: c.*296C>T (NM_181425.3).
Identifiers: ClinVar variation 1222153 (VCV001222153.4), dbSNP rs10890, ClinGen allele CA13113931.

ClinVar aggregate classification (germline): Benign. Review status: criteria provided, multiple submitters, no conflicts (2 of 4 stars). 2 submissions from 2 submitters: Benign (2). Last evaluated 2021-06-18.

Allele frequency attached by ClinVar (database versions not stated): gnomAD exomes 0.47109; gnomAD 0.49124 and 0.49313; TOPMed 0.51033; 1000 Genomes Project 30x 0.56168; 1000 Genomes Project 0.56450.
gnomAD v4.1: 669,660 of 1,412,404 alleles (47%); highest among the groups gnomAD compares: East Asian, 63%; 160,872 homozygotes.

Submissions (2):

GeneDx
Classification: Benign. Last evaluated: 2021-06-18. Review status: criteria provided, single submitter. Criteria: GeneDx Variant Classification Process June 2021. Collection method: clinical testing. Allele origin: germline. Affected: yes.
Comment: This variant is associated with the following publications: (PMID: 18682748)

Breakthrough Genomics
Classification: Benign. Review status: criteria provided, single submitter. Criteria: ACMG Guidelines, 2015. Collection method: not provided. Allele origin: germline. Inheritance: Autosomal recessive inheritance. Affected: yes.